The following is an entry in ClinVar:

ClinVar aggregate classification (germline): Pathogenic (1 of 4 stars; one submission).

Submission:

ISCA site 4
Classification: Pathogenic. Last evaluated: 2011-08-12. Review status: criteria provided, single submitter. Criteria: Kaminsky et al. (Genet Med. 2011). Collection method: clinical testing. Allele origin: unknown. Affected: yes. Observed: 1 variant allele.
Comment: Copy number variation identified through the course of routine clinical cytogenomic testing in postnatal populations. Clinical assertions have been curated as described in Kaminsky et al. 2011.

GRCh38/hg38 7q11.23(chr7:72930548-74869255)x1

Genes: ABHD11 (abhydrolase domain containing 11; minus strand), ABHD11-AS1 (ABHD11 antisense RNA 1 (tail to tail); plus strand), BAZ1B (bromodomain adjacent to zinc finger domain 1B; minus strand), BCL7B (BAF chromatin remodeling complex subunit BCL7B; minus strand), BUD23 (BUD23 rRNA methyltransferase and ribosome maturation factor; plus strand) and 139 more. Cytogenetic location: 7q11.23.
Variant type: copy number loss.
Change: copy number 1 (one copy instead of two) of chr7:72,930,548-74,869,255 (1.94 Mb, GRCh38 coordinates, 1-based), cytogenetic band 7q11.23.
Identifiers: ClinVar variation 57313 (VCV000057313.1).